The following is an entry in ClinVar:

NM_001354712.2(THRB):c.*602G>C

Gene: THRB (thyroid hormone receptor beta; minus strand). Cytogenetic location: 3p24.2.
Variant type: single nucleotide variant.
Coding change: c.*602G>C on transcript NM_001354712.2 (MANE Select); 602 bases downstream of the stop codon, G replaced by C.
Molecular consequence: 3 prime UTR variant.
Genome position (GRCh38, 1-based): chr3:24,122,282, C>G on the plus strand (G>C on the coding strand, the complement: THRB is on the minus strand). VCF-style: chr3-24122282-C-G. GRCh37 (hg19) VCF-style: chr3-24163773-C-G.
Other names: c.*602G>C (NM_000461.5, NM_001128176.3, NM_001128177.2 and 8 more transcripts).
Identifiers: ClinVar variation 344625 (VCV000344625.6), dbSNP rs826373, ClinGen allele CA10618006.

ClinVar aggregate classification (germline): Benign. Review status: criteria provided, multiple submitters, no conflicts (2 of 4 stars). 2 submissions from 2 submitters: Benign (2). Last evaluated 2018-01-13.

Conditions:
Thyroid hormone resistance, generalized, autosomal dominant (GRTHD). Also called: HYPERTHYROXINEMIA, FAMILIAL EUTHYROID, SECONDARY TO PITUITARY AND PERIPHERAL RESISTANCE TO THYROID HORMONES. Identifiers: MedGen C2937288, MONDO:0008569, OMIM 188570.

Allele frequency attached by ClinVar (database versions not stated): TOPMed 0.23356; 1000 Genomes Project 30x 0.27811; 1000 Genomes Project 0.27895.
gnomAD v4.1: 36,489 of 158,196 alleles (23%); highest among the groups gnomAD compares: East Asian, 58%; 4,577 homozygotes.

Submissions (2):

Illumina Laboratory Services, Illumina
Classification: Benign for Thyroid hormone resistance, generalized, autosomal dominant. Last evaluated: 2018-01-13. Review status: criteria provided, single submitter. Criteria: ICSL Variant Classification Criteria 13 December 2019. Collection method: clinical testing. Allele origin: germline.
Comment: This variant was observed in the ICSL laboratory as part of a predisposition screen in an ostensibly healthy population. It had not been previously curated by ICSL or reported in the Human Gene Mutation Database (HGMD: prior to June 1st, 2018), and was therefore a candidate for classification through an automated scoring system. Utilizing variant allele frequency, disease prevalence and penetrance estimates, and inheritance mode, an automated score was calculated to assess if this variant is too frequent to cause the disease. Based on the score and internal cut-off values, a variant classified as benign is not then subjected to further curation. The score for this variant resulted in a classification of benign for this disease.

Breakthrough Genomics
Classification: Benign. Review status: criteria provided, single submitter. Criteria: ACMG Guidelines, 2015. Collection method: not provided. Allele origin: germline. Inheritance: Autosomal recessive inheritance. Affected: yes.